The following is an entry in ClinVar:

ClinVar aggregate classification (germline): Conflicting classifications of pathogenicity. Review status: criteria provided, conflicting classifications (1 of 4 stars). 4 submissions from 4 submitters: Uncertain significance (3); Benign (1). Last evaluated 2025-09-09.

Conditions:
Hereditary cancer-predisposing syndrome. Also called: Tumor predisposition; Neoplastic Syndromes, Hereditary; Hereditary Cancer Syndrome; Hereditary neoplastic syndrome. Identifiers: Orphanet 140162, MedGen C0027672, MeSH D009386, MONDO:0015356.
Familial adenomatous polyposis 2. Also called: COLORECTAL ADENOMATOUS POLYPOSIS, AUTOSOMAL RECESSIVE; ADENOMAS, MULTIPLE COLORECTAL, AUTOSOMAL RECESSIVE; MYH-associated polyposis; MUTYH Polyposis; Adenomas, multiple colorectal; MUTYH-associated polyposis. Identifiers: Orphanet 220460, Orphanet 247798, MedGen C3272841, MONDO:0012041, OMIM 608456.

Allele frequency attached by ClinVar (database versions not stated): TOPMed 0.00002.

Submissions (4):

Ambry Genetics
Classification: Benign for Hereditary cancer-predisposing syndrome. Last evaluated: 2025-09-09. Review status: criteria provided, single submitter. Criteria: Ambry Variant Classification Scheme 2023. Collection method: clinical testing. Allele origin: germline.

Labcorp Genetics (formerly Invitae), Labcorp
Classification: Uncertain significance for Familial adenomatous polyposis 2. Last evaluated: 2025-08-07. Review status: criteria provided, single submitter. Criteria: Invitae Variant Classification Sherloc (09022015). Collection method: clinical testing. Allele origin: germline.
Comment: This sequence change replaces alanine, which is neutral and non-polar, with threonine, which is neutral and polar, at codon 143 of the MUTYH protein (p.Ala143Thr). This variant is not present in population databases (gnomAD no frequency). This variant has not been reported in the literature in individuals affected with MUTYH-related conditions. ClinVar contains an entry for this variant (Variation ID: 657330). An algorithm developed to predict the effect of missense changes on protein structure and function outputs the following: PolyPhen-2: "Benign". The threonine amino acid residue is found in multiple mammalian species, which suggests that this missense change does not adversely affect protein function. In summary, the available evidence is currently insufficient to determine the role of this variant in disease. Therefore, it has been classified as a Variant of Uncertain Significance.

Baylor Genetics
Classification: Uncertain significance for Familial adenomatous polyposis 2. Last evaluated: 2023-06-09. Review status: criteria provided, single submitter. Criteria: ACMG Guidelines, 2015. Collection method: clinical testing. Allele origin: unknown.

GeneDx
Classification: Uncertain significance. Last evaluated: 2019-10-21. Review status: criteria provided, single submitter. Criteria: GeneDx Variant Classification Process June 2021. Collection method: clinical testing. Allele origin: germline. Affected: yes.
Comment: Not observed in large population cohorts (Lek 2016); In silico analysis, which includes protein predictors and evolutionary conservation, supports a deleterious effect; Has not been previously published as pathogenic or benign to our knowledge

NM_001048174.2(MUTYH):c.343G>A (p.Ala115Thr)

Gene: MUTYH (mutY DNA glycosylase; minus strand). Cytogenetic location: 1p34.1.
Variant type: single nucleotide variant.
Coding change: c.343G>A on transcript NM_001048174.2 (MANE Select); coding-DNA position 343, G replaced by A.
Protein change: p.Ala115Thr; replaces alanine 115 with threonine.
Molecular consequence: missense variant. On other transcripts: non-coding transcript variant (1), intron variant (2).
Genome position (GRCh38, 1-based): chr1:45,333,132, C>T on the plus strand (G>A on the coding strand, the complement: MUTYH is on the minus strand). VCF-style: chr1-45333132-C-T. GRCh37 (hg19) VCF-style: chr1-45798804-C-T.
Other names: c.343G>A, p.Ala115Thr (NM_001048171.2, NM_001048173.2, NM_001293195.2); c.346G>A, p.Ala116Thr (NM_001048172.2); c.427G>A, p.Ala143Thr (NM_001128425.2); c.388G>A, p.Ala130Thr (NM_001293190.2); c.376G>A, p.Ala126Thr (NM_001293191.2); c.67G>A, p.Ala23Thr (NM_001293192.2, NM_001293196.2); c.418G>A, p.Ala140Thr (NM_012222.3); c.33+153G>A (NM_001350651.2, NM_001350650.2); short protein forms A126T, A115T, A140T, A143T, A23T, A116T, A130T.
Identifiers: ClinVar variation 657330 (VCV000657330.13), dbSNP rs1570433288, ClinGen allele CA340136138.